The following is an entry in ClinVar:

ClinVar aggregate classification (germline): Uncertain significance (1 of 4 stars; one submission).

Conditions:
Hereditary cancer-predisposing syndrome. Also called: Hereditary neoplastic syndrome; Neoplastic Syndromes, Hereditary; Tumor predisposition; Hereditary Cancer Syndrome. Identifiers: Orphanet 140162, MedGen C0027672, MeSH D009386, MONDO:0015356.

Submission:

Ambry Genetics
Classification: Uncertain significance for Hereditary cancer-predisposing syndrome. Last evaluated: 2025-03-14. Review status: criteria provided, single submitter. Criteria: Ambry Variant Classification Scheme 2023. Collection method: clinical testing. Allele origin: germline.
Comment: The p.M435I variant (also known as c.1305G>A), located in coding exon 14 of the CDC73 gene, results from a G to A substitution at nucleotide position 1305. The methionine at codon 435 is replaced by isoleucine, an amino acid with highly similar properties. This amino acid position is conserved. In addition, this alteration is predicted to be tolerated by in silico analysis. Based on the available evidence, the clinical significance of this variant remains unclear.

NM_024529.5(CDC73):c.1305G>A (p.Met435Ile)

Gene: CDC73 (cell division cycle 73; plus strand). Cytogenetic location: 1q31.2.
Variant type: single nucleotide variant.
Coding change: c.1305G>A on transcript NM_024529.5 (MANE Select); coding-DNA position 1305, G replaced by A.
Protein change: p.Met435Ile; replaces methionine 435 with isoleucine.
Molecular consequence: missense variant.
Genome position (GRCh38, 1-based): chr1:193,233,143, G>A. VCF-style: chr1-193233143-G-A. GRCh37 (hg19) VCF-style: chr1-193202273-G-A.
Other names: short protein forms M435I.
Identifiers: ClinVar variation 3829907 (VCV003829907.1).